The following is an entry in ClinVar:

ClinVar aggregate classification (germline): Uncertain significance. Review status: criteria provided, multiple submitters, no conflicts (2 of 4 stars). 2 submissions from 2 submitters: Uncertain significance (2). Last evaluated 2025-01-29.

Conditions:
Inborn genetic diseases. Identifiers: MedGen C0950123, MeSH D030342.
Early-infantile DEE. Also called: Early infantile epileptic encephalopathy with suppression bursts; Early infantile epileptic encephalopathy; Ohtahara syndrome. Identifiers: Orphanet 1934, MedGen C0393706, MONDO:0800491.

Allele frequency attached by ClinVar (database versions not stated): ExAC 0.00002; gnomAD exomes 0.00002 and 0.00006; gnomAD 0.00004; TOPMed 0.00005; ESP Exome Variant Server 0.00008.
gnomAD v4.1: 92 of 1,609,718 alleles (0.0057%); highest among the groups gnomAD compares: Non-Finnish European, 0.0076%; no homozygotes.

Submissions (2):

Labcorp Genetics (formerly Invitae), Labcorp
Classification: Uncertain significance for Early-infantile DEE. Last evaluated: 2025-01-29. Review status: criteria provided, single submitter. Criteria: Invitae Variant Classification Sherloc (09022015). Collection method: clinical testing. Allele origin: germline.
Comment: This sequence change replaces alanine, which is neutral and non-polar, with threonine, which is neutral and polar, at codon 335 of the KCNH5 protein (p.Ala335Thr). This variant is present in population databases (rs376158544, gnomAD 0.004%). This missense change has been observed in individual(s) with clinical features of KCNH5-related conditions (internal data). ClinVar contains an entry for this variant (Variation ID: 461384). An algorithm developed to predict the effect of missense changes on protein structure and function (PolyPhen-2) suggests that this variant is likely to be disruptive. In summary, the available evidence is currently insufficient to determine the role of this variant in disease. Therefore, it has been classified as a Variant of Uncertain Significance.

Ambry Genetics
Classification: Uncertain significance for Inborn genetic diseases. Last evaluated: 2024-07-06. Review status: criteria provided, single submitter. Criteria: Ambry Variant Classification Scheme 2023. Collection method: clinical testing. Allele origin: germline.

NM_139318.5(KCNH5):c.1003G>A (p.Ala335Thr)

Gene: KCNH5 (potassium voltage-gated channel subfamily H member 5; minus strand). Cytogenetic location: 14q23.2.
Variant type: single nucleotide variant.
Coding change: c.1003G>A on transcript NM_139318.5 (MANE Select); coding-DNA position 1003, G replaced by A.
Protein change: p.Ala335Thr; replaces alanine 335 with threonine.
Molecular consequence: missense variant.
Genome position (GRCh38, 1-based): chr14:62,950,499, C>T on the plus strand (G>A on the coding strand, the complement: KCNH5 is on the minus strand). VCF-style: chr14-62950499-C-T. GRCh37 (hg19) VCF-style: chr14-63417217-C-T.
Other names: c.1003G>A (NM_139318.3); c.1003G>A, p.Ala335Thr (NM_172375.3); short protein forms A335T.
Identifiers: ClinVar variation 461384 (VCV000461384.8), dbSNP rs376158544, ClinGen allele CA7217544.